The following is an entry in ClinVar:

ClinVar aggregate classification (germline): Likely benign (0 of 4 stars; one submission).

Conditions:
BBS2-related disorder. Also called: BBS2-related disorders; BBS2-related condition. Identifiers: MedGen CN239228.

Submission:

PreventionGenetics, part of Exact Sciences
Classification: Likely benign for BBS2-related condition. Last evaluated: 2023-01-30. Review status: no assertion criteria provided. Collection method: clinical testing. Allele origin: germline.
Comment: This variant is classified as likely benign based on ACMG/AMP sequence variant interpretation guidelines (Richards et al. 2015 PMID: 25741868, with internal and published modifications).

NM_031885.5(BBS2):c.2103A>G (p.Ala701=)

Gene: BBS2 (Bardet-Biedl syndrome 2; minus strand). Cytogenetic location: 16q13.
Variant type: single nucleotide variant.
Coding change: c.2103A>G on transcript NM_031885.5 (MANE Select); coding-DNA position 2103, A replaced by G.
Protein change: p.Ala701=; no amino-acid change (alanine 701 retained).
Molecular consequence: synonymous variant. On other transcripts: non-coding transcript variant (5).
Genome position (GRCh38, 1-based): chr16:56,484,824, T>C on the plus strand (A>G on the coding strand, the complement: BBS2 is on the minus strand). VCF-style: chr16-56484824-T-C. GRCh37 (hg19) VCF-style: chr16-56518736-T-C.
Other names: c.2103A>G, p.Ala701= (NM_001377456.1).
Identifiers: ClinVar variation 3356638 (VCV003356638.1).